The following is an entry in ClinVar:

ClinVar aggregate classification (germline): Uncertain significance (1 of 4 stars; one submission).

Submission:

Labcorp Genetics (formerly Invitae), Labcorp
Classification: Uncertain significance. Last evaluated: 2023-05-17. Review status: criteria provided, single submitter. Criteria: Invitae Variant Classification Sherloc (09022015). Collection method: clinical testing. Allele origin: germline.
Comment: An algorithm developed to predict the effect of missense changes on protein structure and function (PolyPhen-2) suggests that this variant is likely to be disruptive. In summary, the available evidence is currently insufficient to determine the role of this variant in disease. Therefore, it has been classified as a Variant of Uncertain Significance. This variant has not been reported in the literature in individuals affected with ABCB6-related conditions. This variant is not present in population databases (gnomAD no frequency). This sequence change replaces tyrosine, which is neutral and polar, with cysteine, which is neutral and slightly polar, at codon 541 of the ABCB6 protein (p.Tyr541Cys).

NM_005689.4(ABCB6):c.1622A>G (p.Tyr541Cys)

Gene: ABCB6 (ATP binding cassette subfamily B member 6 (LAN blood group); minus strand). Cytogenetic location: 2q35.
Variant type: single nucleotide variant.
Coding change: c.1622A>G on transcript NM_005689.4 (MANE Select); coding-DNA position 1622, A replaced by G.
Protein change: p.Tyr541Cys; replaces tyrosine 541 with cysteine.
Molecular consequence: missense variant.
Genome position (GRCh38, 1-based): chr2:219,213,623, T>C on the plus strand (A>G on the coding strand, the complement: ABCB6 is on the minus strand). VCF-style: chr2-219213623-T-C. GRCh37 (hg19) VCF-style: chr2-220078345-T-C.
Other names: c.1484A>G, p.Tyr495Cys (NM_001349828.2); short protein forms Y541C, Y495C.
Identifiers: ClinVar variation 2865247 (VCV002865247.3), dbSNP rs2544852924, ClinGen allele CA350634724.